The following is an entry in ClinVar:

ClinVar aggregate classification (germline): Uncertain significance (1 of 4 stars; one submission).

Submission:

GeneDx
Classification: Uncertain significance. Last evaluated: 2023-12-26. Review status: criteria provided, single submitter. Criteria: GeneDx Variant Classification Process June 2021. Collection method: clinical testing. Allele origin: germline. Affected: yes.
Comment: Has not been previously published as pathogenic or benign to our knowledge; Not observed at significant frequency in large population cohorts (gnomAD); In silico analysis supports that this missense variant does not alter protein structure/function

NM_001292063.2(OTOG):c.1409T>C (p.Leu470Pro)

Gene: OTOG (otogelin; plus strand). Cytogenetic location: 11p15.1.
Variant type: single nucleotide variant.
Coding change: c.1409T>C on transcript NM_001292063.2 (MANE Select); coding-DNA position 1409, T replaced by C.
Protein change: p.Leu470Pro; replaces leucine 470 with proline.
Molecular consequence: missense variant.
Genome position (GRCh38, 1-based): chr11:17,560,775, T>C. VCF-style: chr11-17560775-T-C. GRCh37 (hg19) VCF-style: chr11-17582322-T-C.
Other names: c.1445T>C, p.Leu482Pro (NM_001277269.2); short protein forms L470P, L482P.
Identifiers: ClinVar variation 3367311 (VCV003367311.1).